The following is an entry in ClinVar:

ClinVar aggregate classification (germline): Uncertain significance (1 of 4 stars; one submission).

Conditions:
Fanconi anemia (FA). Also called: Fanconi's anemia. Identifiers: Orphanet 84, MedGen C0015625, MeSH D005199, MONDO:0019391.

gnomAD v4.1: 1 of 1,613,652 alleles (0.000062%); highest among the groups gnomAD compares: Non-Finnish European, 0.000085%; no homozygotes.

Submission:

Labcorp Genetics (formerly Invitae), Labcorp
Classification: Uncertain significance for Fanconi anemia. Last evaluated: 2025-09-20. Review status: criteria provided, single submitter. Criteria: Invitae Variant Classification Sherloc (09022015). Collection method: clinical testing. Allele origin: germline.
Comment: This sequence change replaces leucine, which is neutral and non-polar, with proline, which is neutral and non-polar, at codon 8 of the FANCM protein (p.Leu8Pro). This variant is not present in population databases (gnomAD no frequency). This variant has not been reported in the literature in individuals affected with FANCM-related conditions. An algorithm developed to predict the effect of missense changes on protein structure and function (PolyPhen-2) suggests that this variant is likely to be disruptive. In summary, the available evidence is currently insufficient to determine the role of this variant in disease. Therefore, it has been classified as a Variant of Uncertain Significance.

NM_020937.4(FANCM):c.23T>C (p.Leu8Pro)

Gene: FANCM (FA complementation group M; plus strand). Cytogenetic location: 14q21.2.
Variant type: single nucleotide variant.
Coding change: c.23T>C on transcript NM_020937.4 (MANE Select); coding-DNA position 23, T replaced by C.
Protein change: p.Leu8Pro; replaces leucine 8 with proline.
Molecular consequence: missense variant.
Genome position (GRCh38, 1-based): chr14:45,136,054, T>C. VCF-style: chr14-45136054-T-C. GRCh37 (hg19) VCF-style: chr14-45605257-T-C.
Other names: c.23T>C, p.Leu8Pro (NM_001308133.2, NM_001308134.2); short protein forms L8P.
Identifiers: ClinVar variation 4805980 (VCV004805980.1).